The following is an entry in ClinVar:

ClinVar aggregate classification (germline): Likely pathogenic (1 of 4 stars; one submission).

Conditions:
Autosomal recessive congenital ichthyosis 10 (ARCI10). Identifiers: Orphanet 79394, MedGen C3554355, MONDO:0014011, OMIM 615024.

Submission:

Neuberg Centre For Genomic Medicine, NCGM
Classification: Likely pathogenic for Autosomal recessive congenital ichthyosis 10. Last evaluated: 2023-07-22. Review status: criteria provided, single submitter. Criteria: ACMG Guidelines, 2015. Collection method: clinical testing. Allele origin: germline. Inheritance: Autosomal recessive inheritance. Affected: yes.
Comment: The observed frameshift c.121delp.Arg41GlyfsTer17 variant in PNPLA1 gene has been reported previously in compound heterozygous state in individuals affected with congenital ichthyosis Zimmer AD, et al., 2017. The p.Arg41GlyfsTer17 variant is present with allele frequency of 0.0006% in gnomAD Exomes. This variant has not been submitted to the ClinVar database. This variant causes a frameshift starting with codon Arginine 41, changes this amino acid to Glycine residue, and creates a premature Stop codon at position 17 of the new reading frame, denoted p.Arg41GlyfsTer17. This variant is predicted to cause loss of normal protein function through protein truncation. Loss of function variants have been previously reported to be disease causing. For these reasons, this variant has been classified as Likely Pathogenic. In absence of another reportable variant in PNPLA1 gene, the molecular diagnosis is not confirmed.

NM_001374623.1(PNPLA1):c.121del (p.Arg41fs)

Gene: PNPLA1 (patatin like phospholipase domain containing 1; plus strand). Cytogenetic location: 6p21.31.
Variant type: Deletion.
Coding change: c.121del on transcript NM_001374623.1 (MANE Select); coding-DNA position 121, one base deleted (C; older notation c.121delC).
Protein change: p.Arg41fs; shifts the reading frame from arginine 41.
Molecular consequence: frameshift variant. On other transcripts: intron variant (2).
Genome position (GRCh38, 1-based): chr6:36,270,580, C deleted; the last of 6 consecutive C bases (chr6:36,270,575-36,270,580); deleting any one gives the same sequence. VCF-style (leftmost placement, unchanged base first): chr6-36270574-GC-G. GRCh37 (hg19) VCF-style: chr6-36238351-GC-G.
Other names: c.121del, p.Arg41fs (NM_001145717.1); c.-80-20740del (NM_001145716.2, NM_173676.2); short protein forms R41fs.
Identifiers: ClinVar variation 3391281 (VCV003391281.1).